The following is an entry in ClinVar:

ClinVar aggregate classification (germline): Uncertain significance. Review status: criteria provided, multiple submitters, no conflicts (2 of 4 stars). 2 submissions from 2 submitters: Uncertain significance (2). Last evaluated 2024-06-01.

Allele frequency attached by ClinVar (database versions not stated): TOPMed below 0.00001; ExAC 0.00001; gnomAD exomes 0.00001.
gnomAD v4.1: 7 of 1,611,932 alleles (0.00043%); highest among the groups gnomAD compares: South Asian, 0.0011%; no homozygotes.

Submissions (2):

CeGaT Center for Human Genetics Tuebingen
Classification: Uncertain significance. Last evaluated: 2024-06-01. Review status: criteria provided, single submitter. Criteria: CeGaT Center For Human Genetics Tuebingen Variant Classification Criteria Version 2. Collection method: clinical testing. Allele origin: germline. Affected: yes. Observed: 1 variant allele.
Comment: GATAD2B: PM2

Labcorp Genetics (formerly Invitae), Labcorp
Classification: Uncertain significance. Last evaluated: 2023-11-27. Review status: criteria provided, single submitter. Criteria: Invitae Variant Classification Sherloc (09022015). Collection method: clinical testing. Allele origin: germline.
Comment: This sequence change replaces arginine, which is basic and polar, with histidine, which is basic and polar, at codon 520 of the GATAD2B protein (p.Arg520His). This variant is present in population databases (rs763089701, gnomAD 0.003%). This variant has not been reported in the literature in individuals affected with GATAD2B-related conditions. ClinVar contains an entry for this variant (Variation ID: 2095975). Advanced modeling of protein sequence and biophysical properties (such as structural, functional, and spatial information, amino acid conservation, physicochemical variation, residue mobility, and thermodynamic stability) performed at Invitae indicates that this missense variant is not expected to disrupt GATAD2B protein function with a negative predictive value of 80%. In summary, the available evidence is currently insufficient to determine the role of this variant in disease. Therefore, it has been classified as a Variant of Uncertain Significance.

NM_020699.4(GATAD2B):c.1559G>A (p.Arg520His)

Gene: GATAD2B (GATA zinc finger domain containing 2B; minus strand). Cytogenetic location: 1q21.3.
Variant type: single nucleotide variant.
Coding change: c.1559G>A on transcript NM_020699.4 (MANE Select); coding-DNA position 1559, G replaced by A.
Protein change: p.Arg520His; replaces arginine 520 with histidine.
Molecular consequence: missense variant.
Genome position (GRCh38, 1-based): chr1:153,811,820, C>T on the plus strand (G>A on the coding strand, the complement: GATAD2B is on the minus strand). VCF-style: chr1-153811820-C-T. GRCh37 (hg19) VCF-style: chr1-153784296-C-T.
Other names: short protein forms R520H.
Identifiers: ClinVar variation 2095975 (VCV002095975.22), dbSNP rs763089701, ClinGen allele CA1120598.